The following is an entry in ClinVar:

NM_001048174.2(MUTYH):c.801A>T (p.Pro267=)

Gene: MUTYH (mutY DNA glycosylase; minus strand). Cytogenetic location: 1p34.1.
Variant type: single nucleotide variant.
Coding change: c.801A>T on transcript NM_001048174.2 (MANE Select); coding-DNA position 801, A replaced by T.
Protein change: p.Pro267=; no amino-acid change (proline 267 retained).
Molecular consequence: synonymous variant. On other transcripts: non-coding transcript variant (2).
Genome position (GRCh38, 1-based): chr1:45,332,214, T>A on the plus strand (A>T on the coding strand, the complement: MUTYH is on the minus strand). VCF-style: chr1-45332214-T-A. GRCh37 (hg19) VCF-style: chr1-45797886-T-A.
Other names: c.801A>T, p.Pro267= (NM_001048171.2, NM_001048173.2, NM_001293195.2); c.804A>T, p.Pro268= (NM_001048172.2); c.885A>T, p.Pro295= (NM_001128425.2); c.846A>T, p.Pro282= (NM_001293190.2); c.834A>T, p.Pro278= (NM_001293191.2); c.525A>T, p.Pro175= (NM_001293192.2, NM_001293196.2); c.456A>T, p.Pro152= (NM_001350650.2, NM_001350651.2); c.876A>T, p.Pro292= (NM_012222.3).
Identifiers: ClinVar variation 1652706 (VCV001652706.12), dbSNP rs750136965, ClinGen allele CA059502.

ClinVar aggregate classification (germline): Conflicting classifications of pathogenicity. Review status: criteria provided, conflicting classifications (1 of 4 stars). 4 submissions from 4 submitters: Uncertain significance (2); Likely benign (2). Last evaluated 2026-01-01.

Conditions:
Hereditary cancer-predisposing syndrome. Also called: Tumor predisposition; Hereditary Cancer Syndrome; Hereditary neoplastic syndrome; Neoplastic Syndromes, Hereditary. Identifiers: Orphanet 140162, MedGen C0027672, MeSH D009386, MONDO:0015356.
Familial adenomatous polyposis 2. Also called: COLORECTAL ADENOMATOUS POLYPOSIS, AUTOSOMAL RECESSIVE; ADENOMAS, MULTIPLE COLORECTAL, AUTOSOMAL RECESSIVE; MYH-associated polyposis; MUTYH-associated polyposis; MUTYH-related attenuated familial adenomatous polyposis; MUTYH Polyposis. Identifiers: Orphanet 220460, Orphanet 247798, MedGen C3272841, MONDO:0012041, OMIM 608456.

Allele frequency attached by ClinVar (database versions not stated): ExAC 0.00001; gnomAD exomes below 0.00001.

Submissions (4):

Labcorp Genetics (formerly Invitae), Labcorp
Classification: Likely benign for Familial adenomatous polyposis 2. Last evaluated: 2026-01-01. Review status: criteria provided, single submitter. Criteria: Invitae Variant Classification Sherloc (09022015). Collection method: clinical testing. Allele origin: germline.

All of Us Research Program, National Institutes of Health
Classification: Uncertain significance for Familial adenomatous polyposis 2. Last evaluated: 2023-06-08. Review status: criteria provided, single submitter. Criteria: ACMG Guidelines, 2015. Collection method: clinical testing. Allele origin: germline. Inheritance: Autosomal recessive inheritance. Observed: 1 variant allele, 1 heterozygote.
Comment: This variant is located in the MUTYH protein. To our knowledge, functional studies have not been reported for this variant. This variant has not been reported in individuals affected with MUTYH-related disorders in the literature. This variant has been identified in 1/251126 chromosomes in the general population by the Genome Aggregation Database (gnomAD). The available evidence is insufficient to determine the role of this variant in disease conclusively. Therefore, this variant is classified as a Variant of Uncertain Significance.

This study involves interpretation of variants in research participants for the purpose of population health screening. Participant phenotype was not available at the time of variant classification. Additional details can be found in publication PMID: 35346344, PMCID: PMC8962531

Color Diagnostics, LLC DBA Color Health
Classification: Uncertain significance for Hereditary cancer-predisposing syndrome. Last evaluated: 2023-05-24. Review status: criteria provided, single submitter. Criteria: ACMG Guidelines, 2015. Collection method: clinical testing. Allele origin: germline.
Comment: This variant is located in the MUTYH protein. To our knowledge, functional studies have not been reported for this variant. This variant has not been reported in individuals affected with MUTYH-related disorders in the literature. This variant has been identified in 1/251126 chromosomes in the general population by the Genome Aggregation Database (gnomAD). The available evidence is insufficient to determine the role of this variant in disease conclusively. Therefore, this variant is classified as a Variant of Uncertain Significance.

Ambry Genetics
Classification: Likely benign for Hereditary cancer-predisposing syndrome. Last evaluated: 2020-04-23. Review status: criteria provided, single submitter. Criteria: Ambry Variant Classification Scheme 2023. Collection method: clinical testing. Allele origin: germline.